The following is an entry in ClinVar:

ClinVar aggregate classification (germline): Uncertain significance (1 of 4 stars; one submission).

Submission:

Labcorp Genetics (formerly Invitae), Labcorp
Classification: Uncertain significance. Last evaluated: 2026-01-24. Review status: criteria provided, single submitter. Criteria: Invitae Variant Classification Sherloc (09022015). Collection method: clinical testing. Allele origin: germline.
Comment: This sequence change replaces glutamine, which is neutral and polar, with lysine, which is basic and polar, at codon 249 of the CSF1R protein (p.Gln249Lys). This variant is not present in population databases (gnomAD no frequency). This variant has not been reported in the literature in individuals affected with CSF1R-related conditions. Invitae Evidence Modeling of protein sequence and biophysical properties (such as structural, functional, and spatial information, amino acid conservation, physicochemical variation, residue mobility, and thermodynamic stability) indicates that this missense variant is not expected to disrupt CSF1R protein function with a negative predictive value of 95%. In summary, the available evidence is currently insufficient to determine the role of this variant in disease. Therefore, it has been classified as a Variant of Uncertain Significance.

NM_001288705.3(CSF1R):c.745C>A (p.Gln249Lys)

Gene: CSF1R (colony stimulating factor 1 receptor; minus strand). Cytogenetic location: 5q32.
Variant type: single nucleotide variant.
Coding change: c.745C>A on transcript NM_001288705.3 (MANE Select); coding-DNA position 745, C replaced by A.
Protein change: p.Gln249Lys; replaces glutamine 249 with lysine.
Molecular consequence: missense variant. On other transcripts: non-coding transcript variant (2).
Genome position (GRCh38, 1-based): chr5:150,077,420, G>T on the plus strand (C>A on the coding strand, the complement: CSF1R is on the minus strand). VCF-style: chr5-150077420-G-T. GRCh37 (hg19) VCF-style: chr5-149456983-G-T.
Other names: c.745C>A, p.Gln249Lys (NM_001349736.2, NM_001375320.1, NM_005211.4); c.301C>A, p.Gln101Lys (NM_001375321.1); short protein forms Q101K, Q249K.
Identifiers: ClinVar variation 4801560 (VCV004801560.1).